The following is an entry in ClinVar:

NM_206933.4(USH2A):c.1001G>C (p.Arg334Pro)

Gene: USH2A (usherin; minus strand). Cytogenetic location: 1q41.
Variant type: single nucleotide variant.
Coding change: c.1001G>C on transcript NM_206933.4 (MANE Select); coding-DNA position 1001, G replaced by C.
Protein change: p.Arg334Pro; replaces arginine 334 with proline.
Molecular consequence: missense variant.
Genome position (GRCh38, 1-based): chr1:216,325,447, C>G on the plus strand (G>C on the coding strand, the complement: USH2A is on the minus strand). VCF-style: chr1-216325447-C-G. GRCh37 (hg19) VCF-style: chr1-216498789-C-G.
Other names: c.1001G>C, p.Arg334Pro (NM_007123.6); short protein forms R334P.
Identifiers: ClinVar variation 1360770 (VCV001360770.8), dbSNP rs758303489, ClinGen allele CA344912466.

ClinVar aggregate classification (germline): Uncertain significance (1 of 4 stars; one submission).

gnomAD v4.1: 2 of 1,613,894 alleles (0.00012%); highest among the groups gnomAD compares: South Asian, 0.0011%; no homozygotes.

Submission:

Labcorp Genetics (formerly Invitae), Labcorp
Classification: Uncertain significance. Last evaluated: 2026-01-19. Review status: criteria provided, single submitter. Criteria: Invitae Variant Classification Sherloc (09022015). Collection method: clinical testing. Allele origin: germline.
Comment: This sequence change replaces arginine, which is basic and polar, with proline, which is neutral and non-polar, at codon 334 of the USH2A protein (p.Arg334Pro). This variant is not present in population databases (gnomAD no frequency). This variant has not been reported in the literature in individuals affected with USH2A-related conditions. ClinVar contains an entry for this variant (Variation ID: 1360770). Invitae Evidence Modeling of protein sequence and biophysical properties (such as structural, functional, and spatial information, amino acid conservation, physicochemical variation, residue mobility, and thermodynamic stability) has been performed for this missense variant. However, the output from this modeling did not meet the statistical confidence thresholds required to predict the impact of this variant on USH2A protein function. This variant disrupts the p.Arg334 amino acid residue in USH2A. Other variant(s) that disrupt this residue have been determined to be pathogenic (PMID: 10909849, 18452394). This suggests that this residue is clinically significant, and that variants that disrupt this residue are likely to be disease-causing. In summary, the available evidence is currently insufficient to determine the role of this variant in disease. Therefore, it has been classified as a Variant of Uncertain Significance.

Literature cited by the submitters: PubMed 10909849; PubMed 18452394.